The following is an entry in ClinVar:

ClinVar aggregate classification (germline): Uncertain significance (1 of 4 stars; one submission).

Allele frequency attached by ClinVar (database versions not stated): gnomAD 0.00004; gnomAD exomes 0.00007; ExAC 0.00021; 1000 Genomes Project 30x 0.00078; 1000 Genomes Project 0.00080.

Submission:

Labcorp Genetics (formerly Invitae), Labcorp
Classification: Uncertain significance. Last evaluated: 2026-01-19. Review status: criteria provided, single submitter. Criteria: Invitae Variant Classification Sherloc (09022015). Collection method: clinical testing. Allele origin: germline.
Comment: This sequence change replaces histidine, which is basic and polar, with arginine, which is basic and polar, at codon 151 of the YME1L1 protein (p.His151Arg). This variant is present in population databases (rs563205055, gnomAD 0.1%), and has an allele count higher than expected for a pathogenic variant. This variant has not been reported in the literature in individuals affected with YME1L1-related conditions. ClinVar contains an entry for this variant (Variation ID: 2164806). An algorithm developed to predict the effect of missense changes on protein structure and function outputs the following: PolyPhen-2: "Benign". The arginine amino acid residue is found in multiple mammalian species, which suggests that this missense change does not adversely affect protein function. In summary, the available evidence is currently insufficient to determine the role of this variant in disease. Therefore, it has been classified as a Variant of Uncertain Significance.

NM_014263.4(YME1L1):c.281A>G (p.His94Arg)

Gene: YME1L1 (YME1 like 1 ATPase; minus strand). Cytogenetic location: 10p12.1.
Variant type: single nucleotide variant.
Coding change: c.281A>G on transcript NM_014263.4 (MANE Select); coding-DNA position 281, A replaced by G.
Protein change: p.His94Arg; replaces histidine 94 with arginine.
Molecular consequence: missense variant.
Genome position (GRCh38, 1-based): chr10:27,145,478, T>C on the plus strand (A>G on the coding strand, the complement: YME1L1 is on the minus strand). VCF-style: chr10-27145478-T-C. GRCh37 (hg19) VCF-style: chr10-27434407-T-C.
Other names: c.281A>G, p.His94Arg (NM_001253866.2); c.452A>G, p.His151Arg (NM_139312.3); short protein forms H151R, H94R.
Identifiers: ClinVar variation 2164806 (VCV002164806.4), dbSNP rs563205055, ClinGen allele CA5449656.
Genomic context (GRCh38, chr10:27,145,478, plus strand): 5'-ATTAACATACCATATTTATTTTCAAAGAAGGATTGTGCAGAGACATGGGATGTATGCCAA[T>C]GGGAAGAAATGTTTTTGCCTTTACAAAATCCAGGAAGTAGATTTTCTACCAGCTGATCAA-3'
Protein context (NP_055078.1, residues 84-104): GFCKGKNISS[His94Arg]WHTSHVSAQS